The following is an entry in ClinVar:

NM_182914.3(SYNE2):c.19203C>T (p.His6401=)

Gene: SYNE2 (spectrin repeat containing nuclear envelope protein 2; plus strand). Cytogenetic location: 14q23.2.
Variant type: single nucleotide variant.
Coding change: c.19203C>T on transcript NM_182914.3 (MANE Select); coding-DNA position 19203, C replaced by T.
Protein change: p.His6401=; no amino-acid change (histidine 6401 retained).
Molecular consequence: synonymous variant.
Genome position (GRCh38, 1-based): chr14:64,214,340, C>T. VCF-style: chr14-64214340-C-T. GRCh37 (hg19) VCF-style: chr14-64681058-C-T.
Other names: c.19203C>T, p.His6401= (NM_015180.6); c.105C>T, p.His35= (NM_182913.4).
Identifiers: ClinVar variation 3778140 (VCV003778140.7).

ClinVar aggregate classification (germline): Likely benign (1 of 4 stars; one submission).

gnomAD v4.1: 35 of 1,613,984 alleles (0.0022%); highest among the groups gnomAD compares: East Asian, 0.022%; no homozygotes.

Submission:

CeGaT Center for Human Genetics Tuebingen
Classification: Likely benign. Last evaluated: 2025-03-01. Review status: criteria provided, single submitter. Criteria: CeGaT Center For Human Genetics Tuebingen Variant Classification Criteria Version 2. Collection method: clinical testing. Allele origin: germline. Affected: yes. Observed: 1 variant allele.
Comment: SYNE2: BP4, BP7